The following is an entry in ClinVar:

NM_001009944.3(PKD1):c.1162G>A (p.Ala388Thr)

Gene: PKD1 (polycystin 1, transient receptor potential channel interacting; minus strand). Cytogenetic location: 16p13.3.
Variant type: single nucleotide variant.
Coding change: c.1162G>A on transcript NM_001009944.3 (MANE Select); coding-DNA position 1162, G replaced by A.
Protein change: p.Ala388Thr; replaces alanine 388 with threonine.
Molecular consequence: missense variant.
Genome position (GRCh38, 1-based): chr16:2,117,830, C>T on the plus strand (G>A on the coding strand, the complement: PKD1 is on the minus strand). VCF-style: chr16-2117830-C-T. GRCh37 (hg19) VCF-style: chr16-2167831-C-T.
Other names: c.1162G>A, p.Ala388Thr (NM_000296.4); short protein forms A388T.
Identifiers: ClinVar variation 2386570 (VCV002386570.5), dbSNP rs772111757, ClinGen allele CA7833589.

ClinVar aggregate classification (germline): Conflicting classifications of pathogenicity. Review status: criteria provided, conflicting classifications (1 of 4 stars). 2 submissions from 2 submitters: Uncertain significance (1); Likely benign (1). Last evaluated 2022-07-28.

Conditions:
Inborn genetic diseases. Identifiers: MedGen C0950123, MeSH D030342.

Allele frequency attached by ClinVar (database versions not stated): gnomAD 0.00004; gnomAD exomes 0.00005.
gnomAD v4.1: 58 of 1,284,730 alleles (0.0045%); highest among the groups gnomAD compares: Admixed American, 0.0099%; no homozygotes.

Submissions (2):

GeneDx
Classification: Uncertain significance. Last evaluated: 2022-07-28. Review status: criteria provided, single submitter. Criteria: GeneDx Variant Classification Process June 2021. Collection method: clinical testing. Allele origin: germline. Affected: yes.
Comment: In silico analysis supports that this missense variant does not alter protein structure/function; Has not been previously published as pathogenic or benign to our knowledge

Ambry Genetics
Classification: Likely benign for Inborn genetic diseases. Last evaluated: 2021-07-06. Review status: criteria provided, single submitter. Criteria: Ambry Variant Classification Scheme 2023. Collection method: clinical testing. Allele origin: germline.